The following is an entry in ClinVar:

ClinVar aggregate classification (germline): Likely pathogenic (0 of 4 stars; one submission).

Conditions:
concomitant exotropia.

Submission:

Ophthalmology Lab, The First People's Hospital of Yunnan Provience
Classification: Likely pathogenic for concomitant exotropia. Last evaluated: 2024-08-30. Review status: no assertion criteria provided. Collection method: clinical testing. Allele origin: inherited. Affected: yes. Observed: 5 variant alleles.
Comment: Dominant inheritance. SYNE1 was the pedigree coisolation gene in F6 (c.1838C>T(p.S613F)). SYNE1 (spectrin repeat containing nuclear envelope protein 1) encodes a spectrin repeat-containing protein mainly expressed in skeletal and smooth muscle. Current studies have found that diseases associated with SYNE1 include spinocerebellar ataxia, autosomal recessive 8 and arthrogryposis multiplex congenita. The SYNE1 gene is highly expressed in the skeletal muscle system and nervous system. Research also suggests that the Klarsicht/ANC-1/Syne homolog (KASH)-domain-containing protein SYNE1 plays crucial roles in anchoring both synaptic and nonsynaptic myonuclei that are important for proper motor neuron innervation. In our study, pedigrees F3 and F6 had different mutation sites in the SYNE1 gene that caused different amino acid changes.

XM_005266877.1:c.1838C>T

Gene: SYNE1 (spectrin repeat containing nuclear envelope protein 1; minus strand).
Variant type: single nucleotide variant.
Other names: c.1838C>T (XM_005266877.1).
Identifiers: ClinVar variation 3340426 (VCV003340426.1).